The following is an entry in ClinVar:

NM_007186.6(CEP250):c.4796A>G (p.Glu1599Gly)

Gene: CEP250 (centrosomal protein 250; plus strand). Cytogenetic location: 20q11.22.
Variant type: single nucleotide variant.
Coding change: c.4796A>G on transcript NM_007186.6 (MANE Select); coding-DNA position 4796, A replaced by G.
Protein change: p.Glu1599Gly; replaces glutamic acid 1599 with glycine.
Molecular consequence: missense variant.
Genome position (GRCh38, 1-based): chr20:35,503,165, A>G. VCF-style: chr20-35503165-A-G. GRCh37 (hg19) VCF-style: chr20-34090993-A-G.
Other names: c.2900A>G, p.Glu967Gly (NM_001318219.1); short protein forms E967G, E1599G.
Identifiers: ClinVar variation 1496758 (VCV001496758.6), dbSNP rs764291685, ClinGen allele CA9833765.

ClinVar aggregate classification (germline): Uncertain significance. Review status: criteria provided, multiple submitters, no conflicts (2 of 4 stars). 2 submissions from 2 submitters: Uncertain significance (2). Last evaluated 2023-11-08.

Allele frequency attached by ClinVar (database versions not stated): ExAC 0.00001; gnomAD exomes 0.00001 and 0.00005; TOPMed 0.00001; gnomAD 0.00003.
gnomAD v4.1: 81 of 1,614,010 alleles (0.005%); highest among the groups gnomAD compares: Non-Finnish European, 0.0068%; no homozygotes.

Submissions (2):

Blueprint Genetics
Classification: Uncertain significance. Last evaluated: 2023-11-08. Review status: criteria provided, single submitter. Criteria: ACMG Guidelines, 2015. Collection method: clinical testing. Allele origin: germline.

Labcorp Genetics (formerly Invitae), Labcorp
Classification: Uncertain significance. Last evaluated: 2022-10-25. Review status: criteria provided, single submitter. Criteria: Invitae Variant Classification Sherloc (09022015). Collection method: clinical testing. Allele origin: germline.
Comment: This sequence change replaces glutamic acid with glycine at codon 1599 of the CEP250 protein (p.Glu1599Gly). The glutamic acid residue is moderately conserved and there is a moderate physicochemical difference between glutamic acid and glycine. This variant is present in population databases (rs764291685, gnomAD 0.002%). This variant has not been reported in the literature in individuals affected with CEP250-related conditions. ClinVar contains an entry for this variant (Variation ID: 1496758). Algorithms developed to predict the effect of missense changes on protein structure and function are either unavailable or do not agree on the potential impact of this missense change (SIFT: "Not Available"; PolyPhen-2: "Probably Damaging"; Align-GVGD: "Not Available"). In summary, the available evidence is currently insufficient to determine the role of this variant in disease. Therefore, it has been classified as a Variant of Uncertain Significance.